The following is an entry in ClinVar:

ClinVar aggregate classification (germline): Uncertain significance (1 of 4 stars; one submission).

Conditions:
Cardiovascular phenotype. Identifiers: MedGen CN230736.

Submission:

Ambry Genetics
Classification: Uncertain significance for Cardiovascular phenotype. Last evaluated: 2024-07-06. Review status: criteria provided, single submitter. Criteria: Ambry Variant Classification Scheme 2023. Collection method: clinical testing. Allele origin: germline.
Comment: The p.P785R variant (also known as c.2354C>G), located in coding exon 3 of the TNXB gene, results from a C to G substitution at nucleotide position 2354. The proline at codon 785 is replaced by arginine, an amino acid with dissimilar properties. This amino acid position is conserved. In addition, the in silico prediction for this alteration is inconclusive. Based on the available evidence, the clinical significance of this variant remains unclear.

NM_001365276.2(TNXB):c.2354C>G (p.Pro785Arg)

Gene: TNXB (tenascin XB; minus strand). Cytogenetic location: 6p21.33.
Variant type: single nucleotide variant.
Coding change: c.2354C>G on transcript NM_001365276.2 (MANE Select); coding-DNA position 2354, C replaced by G.
Protein change: p.Pro785Arg; replaces proline 785 with arginine.
Molecular consequence: missense variant.
Genome position (GRCh38, 1-based): chr6:32,095,080, G>C on the plus strand (C>G on the coding strand, the complement: TNXB is on the minus strand). VCF-style: chr6-32095080-G-C. GRCh37 (hg19) VCF-style: chr6-32062857-G-C.
Other names: c.2354C>G, p.Pro785Arg (NM_001428335.1, NM_019105.8); short protein forms P785R.
Identifiers: ClinVar variation 3459748 (VCV003459748.1).
Genomic context (GRCh38, chr6:32,095,080, plus strand): 5'-CCTGCCCCCCTGTCCTGCCCACTCAGTCCCCTCCTGGAGCCTGGCATCTCTCTCACCGTG[G>C]GGATGAACTGAATTTCATAGGCATCCACGGGGCCAGGAGCCGGGGTCCACTCTGTCCGAA-3'
Protein context (NP_001352205.1, residues 775-795): PVDAYEIQFI[Pro785Arg]TTEGASPPFT